The following is an entry in ClinVar:

ClinVar aggregate classification (germline): Uncertain significance (1 of 4 stars; one submission).

Conditions:
Inborn genetic diseases. Identifiers: MedGen C0950123, MeSH D030342.

Allele frequency attached by ClinVar (database versions not stated): gnomAD 0.00001; ExAC 0.00002; gnomAD exomes 0.00002.
gnomAD v4.1: 34 of 1,614,108 alleles (0.0021%); highest among the groups gnomAD compares: South Asian, 0.036%; no homozygotes.

Submission:

Ambry Genetics
Classification: Uncertain significance for Inborn genetic diseases. Last evaluated: 2022-04-19. Review status: criteria provided, single submitter. Criteria: Ambry Variant Classification Scheme 2023. Collection method: clinical testing. Allele origin: germline.
Comment: The p.N717D variant (also known as c.2149A>G), located in coding exon 11 of the SH3TC2 gene, results from an A to G substitution at nucleotide position 2149. The asparagine at codon 717 is replaced by aspartic acid, an amino acid with highly similar properties. This amino acid position is conserved. In addition, the in silico prediction for this alteration is inconclusive. Since supporting evidence is limited at this time, the clinical significance of this alteration remains unclear.

NM_024577.4(SH3TC2):c.2149A>G (p.Asn717Asp)

Gene: SH3TC2 (SH3 domain and tetratricopeptide repeats 2; minus strand). Cytogenetic location: 5q32.
Variant type: single nucleotide variant.
Coding change: c.2149A>G on transcript NM_024577.4 (MANE Select); coding-DNA position 2149, A replaced by G.
Protein change: p.Asn717Asp; replaces asparagine 717 with aspartic acid.
Molecular consequence: missense variant.
Genome position (GRCh38, 1-based): chr5:149,027,583, T>C on the plus strand (A>G on the coding strand, the complement: SH3TC2 is on the minus strand). VCF-style: chr5-149027583-T-C. GRCh37 (hg19) VCF-style: chr5-148407146-T-C.
Other names: short protein forms N717D.
Identifiers: ClinVar variation 1786686 (VCV001786686.2), dbSNP rs759334378, ClinGen allele CA3499050.